The following is an entry in ClinVar:

ClinVar aggregate classification (germline): Uncertain significance. Review status: criteria provided, multiple submitters, no conflicts (2 of 4 stars). 2 submissions from 2 submitters: Uncertain significance (2). Last evaluated 2025-12-20.

Conditions:
Immunodeficiency, common variable, 14. Identifiers: Orphanet 696904, MedGen C4540380, MONDO:0054691, OMIM 617765.

gnomAD v4.1: 2 of 1,264,950 alleles (0.00016%); no homozygotes.

Submissions (2):

Labcorp Genetics (formerly Invitae), Labcorp
Classification: Uncertain significance. Last evaluated: 2025-12-20. Review status: criteria provided, single submitter. Criteria: Invitae Variant Classification Sherloc (09022015). Collection method: clinical testing. Allele origin: germline.
Comment: This sequence change replaces glutamic acid, which is acidic and polar, with glycine, which is neutral and non-polar, at codon 115 of the IRF2BP2 protein (p.Glu115Gly). This variant is not present in population databases (gnomAD no frequency). This variant has not been reported in the literature in individuals affected with IRF2BP2-related conditions. ClinVar contains an entry for this variant (Variation ID: 1031779). An algorithm developed to predict the effect of missense changes on protein structure and function (PolyPhen-2) suggests that this variant is likely to be disruptive. In summary, the available evidence is currently insufficient to determine the role of this variant in disease. Therefore, it has been classified as a Variant of Uncertain Significance.

Baylor Genetics
Classification: Uncertain significance for Immunodeficiency, common variable, 14. Last evaluated: 2018-02-27. Review status: criteria provided, single submitter. Criteria: ACMG Guidelines, 2015. Collection method: clinical testing. Allele origin: paternal. Affected: yes.
Comment: This variant was determined to be of uncertain significance according to ACMG Guidelines, 2015 [PMID:25741868].

NM_182972.3(IRF2BP2):c.344A>G (p.Glu115Gly)

Genes: IRF2BP2 (interferon regulatory factor 2 binding protein 2; minus strand), LOC129932812 (ATAC-STARR-seq lymphoblastoid silent region 1977; plus strand). Cytogenetic location: 1q42.3.
Variant type: single nucleotide variant.
Coding change: c.344A>G on transcript NM_182972.3 (MANE Select); coding-DNA position 344, A replaced by G.
Protein change: p.Glu115Gly; replaces glutamic acid 115 with glycine.
Molecular consequence: missense variant.
Genome position (GRCh38, 1-based): chr1:234,609,151, T>C on the plus strand (A>G on the coding strand, the complement: IRF2BP2 is on the minus strand). VCF-style: chr1-234609151-T-C. GRCh37 (hg19) VCF-style: chr1-234744897-T-C.
Other names: c.344A>G, p.Glu115Gly (NM_001077397.1); short protein forms E115G.
Identifiers: ClinVar variation 1031779 (VCV001031779.2), dbSNP rs1672267992, ClinGen allele CA345311031.